The following is an entry in ClinVar:

NM_000089.4(COL1A2):c.2957C>T (p.Pro986Leu)

Gene: COL1A2 (collagen type I alpha 2 chain; plus strand). Cytogenetic location: 7q21.3.
Variant type: single nucleotide variant.
Coding change: c.2957C>T on transcript NM_000089.4 (MANE Select); coding-DNA position 2957, C replaced by T.
Protein change: p.Pro986Leu; replaces proline 986 with leucine.
Molecular consequence: missense variant.
Genome position (GRCh38, 1-based): chr7:94,426,011, C>T. VCF-style: chr7-94426011-C-T. GRCh37 (hg19) VCF-style: chr7-94055323-C-T.
Other names: short protein forms P986L.
Identifiers: ClinVar variation 216909 (VCV000216909.21), dbSNP rs768171831, ClinGen allele CA277523.

ClinVar aggregate classification (germline): Conflicting classifications of pathogenicity. Review status: criteria provided, conflicting classifications (1 of 4 stars). 7 submissions from 7 submitters: Likely pathogenic (1); Uncertain significance (4); Likely benign (2). Last evaluated 2026-08-05.

Conditions:
COL1A2-related disorder. Also called: COL1A2-related condition; COL1A2-Related Disorders.
Osteogenesis imperfecta type I (OI1). Also called: Osteogenesis imperfecta type 1; Classic Non-deforming Osteogenesis Imperfecta with Blue Sclerae; Lobstein's Disease; Lobstein disease; OI, TYPE I; OSTEOGENESIS IMPERFECTA TARDA. Identifiers: Orphanet 216796, Orphanet 666, MedGen C0023931, MONDO:0008146, OMIM 166200. Disease mechanism: loss of function.
Ehlers-Danlos syndrome, classic type, 1 (EDSCL1). Also called: Ehlers-Danlos syndrome, type 1; Ehlers-Danlos Syndrome, Classic Type, COL5A1-Related; EDS I; EHLERS-DANLOS SYNDROME, GRAVIS TYPE; EHLERS-DANLOS SYNDROME, SEVERE CLASSIC TYPE. Identifiers: MedGen C0268335, MONDO:0019567, OMIM 130000.
Cardiovascular phenotype. Identifiers: MedGen CN230736.
Osteogenesis imperfecta with normal sclerae, dominant form (OI4). Also called: Osteogenesis imperfecta type 4; Common Variable Osteogenesis Imperfecta with Normal Sclerae; OSTEOGENESIS IMPERFECTA, TYPE IV, WITH DENTINOGENESIS IMPERFECTA; Osteogenesis Imperfecta Type IV; OSTEOGENESIS IMPERFECTA WITH NORMAL SCLERAE. Identifiers: Orphanet 216820, Orphanet 666, MedGen C0268363, MONDO:0008148, OMIM 166220.
Osteogenesis imperfecta, perinatal lethal (OI2). Also called: OSTEOGENESIS IMPERFECTA, TYPE II; Osteogenesis imperfecta type 2; Osteogenesis imperfecta, dominant perinatal lethal; OI, TYPE II; OSTEOGENESIS IMPERFECTA CONGENITA; VROLIK TYPE OF OSTEOGENESIS IMPERFECTA. Identifiers: Orphanet 216804, MedGen C0268358, MONDO:0008147, OMIM 166210.
Osteogenesis imperfecta type III (OI3). Also called: Progressively Deforming Osteogenesis Imperfecta; Osteogenesis imperfecta type 3; OI type 3; Osteogenesis imperfecta, progressively deforming with normal sclerae; OI type III. Identifiers: Orphanet 216812, Orphanet 666, MedGen C0268362, MONDO:0009804, OMIM 259420.
Osteogenesis imperfecta (OI). Identifiers: Orphanet 666, MedGen C0029434, MeSH D010013, MONDO:0019019.

Allele frequency attached by ClinVar (database versions not stated): ExAC 0.00012; gnomAD exomes 0.00012 and 0.00007; gnomAD 0.00001 and 0.00005; TOPMed 0.00001.
gnomAD v4.1: 101 of 1,614,002 alleles (0.0063%); highest among the groups gnomAD compares: South Asian, 0.1%; 2 homozygotes.

Submissions (7):

PreventionGenetics, part of Exact Sciences
Classification: Uncertain significance for COL1A2-related condition. Last evaluated: 2026-08-05. Review status: criteria provided, single submitter. Criteria: ACMG Guidelines, 2015. Collection method: clinical testing. Allele origin: germline.
Comment: The COL1A2 c.2957C>T variant is predicted to result in the amino acid substitution p.Pro986Leu. This variant was reported in an individual with osteogenesis imperfecta (Lee et al. 2014. PubMed ID: 25326637). This variant is reported in 0.098% of alleles in individuals of South Asian descent in gnomAD. Although we suspect this variant may be benign, at this time, the clinical significance of this variant is uncertain due to the absence of conclusive functional and genetic evidence.

Women's Health and Genetics/Laboratory Corporation of America, LabCorp
Classification: Uncertain significance. Last evaluated: 2026-03-11. Review status: criteria provided, single submitter. Criteria: LabCorp Variant Classification Summary - May 2015. Collection method: clinical testing. Allele origin: germline.
Comment: Variant summary: COL1A2 c.2957C>T (p.Pro986Leu) results in a non-conservative amino acid change in the encoded protein sequence. Algorithms developed to predict the effect of missense changes on protein structure and function all suggest that this variant is likely to be disruptive. The variant allele was found at a frequency of 0.00012 in 251392 control chromosomes. This frequency is not significantly higher than estimated for disease-causing variants in COL1A2, allowing no conclusion about variant significance. c.2957C>T has been observed in at least one heterozygous individual affected with osteogenesis imperfecta (e.g. Lee_2014). These report(s) do not provide unequivocal conclusions about association of the variant with Osteogenesis Imperfecta. To our knowledge, no experimental evidence demonstrating an impact on protein function has been reported. The following publication has been ascertained in the context of this evaluation (PMID: 25326637). ClinVar contains an entry for this variant (Variation ID: 216909). Based on the evidence outlined above, the variant was classified as uncertain significance.

Labcorp Genetics (formerly Invitae), Labcorp
Classification: Likely benign for Osteogenesis imperfecta type I; Ehlers-Danlos syndrome, classic type, 1. Last evaluated: 2025-05-01. Review status: criteria provided, single submitter. Criteria: Invitae Variant Classification Sherloc (09022015). Collection method: clinical testing. Allele origin: germline.

Ambry Genetics
Classification: Likely benign for Cardiovascular phenotype. Last evaluated: 2024-08-01. Review status: criteria provided, single submitter. Criteria: Ambry Variant Classification Scheme 2023. Collection method: clinical testing. Allele origin: germline.

GeneDx
Classification: Uncertain significance. Last evaluated: 2024-01-04. Review status: criteria provided, single submitter. Criteria: GeneDx Variant Classification Process June 2021. Collection method: clinical testing. Allele origin: germline. Affected: yes.
Comment: Has been reported as a maternally inherited variant in patients with clinical features of osteogenesis imperfecta (PMID: 25326637, 31061748); In silico analysis supports that this missense variant has a deleterious effect on protein structure/function; Occurs in the triple helical domain at the X position in the canonical Gly-X-Y repeat. Although this variant may have an effect on normal protein folding and function, missense substitution at the X position is not a common mechanism of disease (HGMD); This variant is associated with the following publications: (PMID: 25326637, 31061748)

Genome Diagnostics Laboratory, The Hospital for Sick Children
Classification: Uncertain significance for Osteogenesis imperfecta. Last evaluated: 2021-06-25. Review status: criteria provided, single submitter. Criteria: ACMG Guidelines, 2015. Collection method: clinical testing. Allele origin: germline.

UCLA Clinical Genomics Center, UCLA
Classification: Likely pathogenic for Osteogenesis imperfecta, recessive perinatal lethal; Osteogenesis imperfecta type III; Osteogenesis imperfecta with normal sclerae, dominant form. Last evaluated: 2013-04-16. Review status: criteria provided, single submitter. Criteria: Lee et al. (JAMA. 2014). Collection method: clinical testing. Allele origin: germline. Inheritance: Autosomal dominant inheritance. Affected: yes. Study: CES.

Literature cited by the submitters: PubMed 25326637 (cited by Women's Health and Genetics/Laboratory Corporation of America, LabCorp and Ambry Genetics); PubMed 31061748 (cited by Ambry Genetics).